The following is an entry in ClinVar:

NM_000171.4(GLRA1):c.899C>A (p.Ala300Glu)

Gene: GLRA1 (glycine receptor alpha 1; minus strand). Cytogenetic location: 5q33.1.
Variant type: single nucleotide variant.
Coding change: c.899C>A on transcript NM_000171.4 (MANE Select); coding-DNA position 899, C replaced by A.
Protein change: p.Ala300Glu; replaces alanine 300 with glutamic acid.
Molecular consequence: missense variant.
Genome position (GRCh38, 1-based): chr5:151,851,403, G>T on the plus strand (C>A on the coding strand, the complement: GLRA1 is on the minus strand). VCF-style: chr5-151851403-G-T. GRCh37 (hg19) VCF-style: chr5-151230964-G-T.
Other names: c.899C>A, p.Ala300Glu (NM_001146040.2); c.650C>A, p.Ala217Glu (NM_001292000.2); short protein forms A217E, A300E.
Identifiers: ClinVar variation 4759185 (VCV004759185.2).

ClinVar aggregate classification (germline): Conflicting classifications of pathogenicity. Review status: criteria provided, conflicting classifications (1 of 4 stars). 2 submissions from 2 submitters: Likely pathogenic (1); Uncertain significance (1). Last evaluated 2026-01-19.

Conditions:
Hyperekplexia 1 (STHE). Also called: HYPEREKPLEXIA 1, AUTOSOMAL DOMINANT; HYPEREKPLEXIA 1, AUTOSOMAL RECESSIVE; EXAGGERATED STARTLE REACTION; KOK DISEASE; STARTLE DISEASE, FAMILIAL; STIFF-BABY SYNDROME. Identifiers: Orphanet 3197, MedGen C4551954, MONDO:0007868, OMIM 149400.
Hereditary hyperekplexia. Identifiers: Orphanet 3197, MedGen C4084968, MONDO:0021022.

Submissions (2):

Labcorp Genetics (formerly Invitae), Labcorp
Classification: Uncertain significance for Hereditary hyperekplexia. Last evaluated: 2026-01-19. Review status: criteria provided, single submitter. Criteria: Invitae Variant Classification Sherloc (09022015). Collection method: clinical testing. Allele origin: germline.
Comment: This sequence change replaces alanine, which is neutral and non-polar, with glutamic acid, which is acidic and polar, at codon 300 of the GLRA1 protein (p.Ala300Glu). This variant is not present in population databases (gnomAD no frequency). This variant has not been reported in the literature in individuals affected with GLRA1-related conditions. Invitae Evidence Modeling of protein sequence and biophysical properties (such as structural, functional, and spatial information, amino acid conservation, physicochemical variation, residue mobility, and thermodynamic stability) indicates that this missense variant is not expected to disrupt GLRA1 protein function with a negative predictive value of 80%. In summary, the available evidence is currently insufficient to determine the role of this variant in disease. Therefore, it has been classified as a Variant of Uncertain Significance.

3billion
Classification: Likely pathogenic for Hyperekplexia 1. Last evaluated: 2025-11-05. Review status: criteria provided, single submitter. Criteria: ACMG Guidelines, 2015. Collection method: clinical testing. Allele origin: germline. Affected: yes.
Comment: The variant is not observed in the gnomAD v4.1.0 dataset. Predicted Consequence/Location: The variant is located in a mutational hot spot and/or well-established functional domain in which established pathogenic variants have been reported (PMID: 14580232, 20631190). In silico tool prediction suggests damaging effect of the variant on gene or gene product [REVEL: 0.65 (>=0.6, sensitivity 0.68 and specificity 0.92)]. A different missense change at the same codon (p.Ala300Pro) has been reported to be associated with GLRA1-related disorder (ClinVar ID: VCV004084966 /PMID: 25356525). Therefore, this variant is classified as Likely pathogenic according to the recommendation of ACMG/AMP guideline.

Literature cited by the submitters: PubMed 25356525 (cited by 3billion).